The following is an entry in ClinVar:

NM_201384.3(PLEC):c.1191C>A (p.Ile397=)

Gene: PLEC (plectin; minus strand). Cytogenetic location: 8q24.3.
Variant type: single nucleotide variant.
Coding change: c.1191C>A on transcript NM_201384.3 (MANE Select); coding-DNA position 1191, C replaced by A.
Protein change: p.Ile397=; no amino-acid change (isoleucine 397 retained).
Molecular consequence: synonymous variant.
Genome position (GRCh38, 1-based): chr8:143,934,070, G>T on the plus strand (C>A on the coding strand, the complement: PLEC is on the minus strand). VCF-style: chr8-143934070-G-T. GRCh37 (hg19) VCF-style: chr8-145008238-G-T.
Other names: c.1272C>A (NM_000445.4); c.1272C>A, p.Ile424= (NM_000445.5); c.1149C>A, p.Ile383= (NM_201378.4); c.1125C>A, p.Ile375= (NM_201379.3); c.1602C>A, p.Ile534= (NM_201380.4); c.1095C>A, p.Ile365= (NM_201381.3); c.1191C>A, p.Ile397= (NM_201382.4); c.1203C>A, p.Ile401= (NM_201383.3).
Identifiers: ClinVar variation 513870 (VCV000513870.15), dbSNP rs781888321, ClinGen allele CA4928105.

ClinVar aggregate classification (germline): Conflicting classifications of pathogenicity. Review status: criteria provided, conflicting classifications (1 of 4 stars). 5 submissions from 5 submitters: Uncertain significance (1); Likely benign (3). 1 of the submissions does not count toward it. Last evaluated 2025-10-07.

Conditions:
PLEC-related disorder. Also called: PLEC-related disorders; PLEC-related condition.
Epidermolysis bullosa simplex, Ogna type (EBS5A). Also called: Pidermolysis bullosa simplex 5A, Ogna type; EPIDERMOLYSIS BULLOSA SIMPLEX 5A, OGNA TYPE. Identifiers: Orphanet 79401, MedGen C0432317, MONDO:0007555, OMIM 131950.
Epidermolysis bullosa simplex with nail dystrophy (EBS5D). Identifiers: MedGen C4225309, MONDO:0014661, OMIM 616487.
Epidermolysis bullosa simplex 5B, with muscular dystrophy (EBS5B). Also called: EPIDERMOLYSIS BULLOSA SIMPLEX AND LIMB-GIRDLE MUSCULAR DYSTROPHY; Epidermolysis bullosa simplex with muscular dystrophy. Identifiers: Orphanet 257, MedGen C2931072, MONDO:0009181, OMIM 226670.
Epidermolysis bullosa simplex 5C, with pyloric atresia (EBS5C). Also called: PLEC1-Related Epidermolysis Bullosa with Pyloric Atresia; Epidermolysis bullosa simplex with pyloric atresia; PLEC-Related Epidermolysis Bullosa with Pyloric Atresia. Identifiers: Orphanet 158684, MedGen C2677349, MONDO:0012807, OMIM 612138.
Autosomal recessive limb-girdle muscular dystrophy type 2Q (LGMDR17). Also called: MUSCULAR DYSTROPHY, LIMB-GIRDLE, AUTOSOMAL RECESSIVE 17. Identifiers: Orphanet 254361, MedGen C3150989, MONDO:0013390, OMIM 613723.

Allele frequency attached by ClinVar (database versions not stated): TOPMed 0.00009.
gnomAD v4.1: 55 of 1,611,636 alleles (0.0034%); highest among the groups gnomAD compares: Admixed American, 0.088%; no homozygotes.

Submissions (5):

Labcorp Genetics (formerly Invitae), Labcorp
Classification: Likely benign for Autosomal recessive limb-girdle muscular dystrophy type 2Q; Epidermolysis bullosa simplex, Ogna type; Epidermolysis bullosa simplex with nail dystrophy; Epidermolysis bullosa simplex 5C, with pyloric atresia; Epidermolysis bullosa simplex 5B, with muscular dystrophy. Last evaluated: 2025-10-07. Review status: criteria provided, single submitter. Criteria: Invitae Variant Classification Sherloc (09022015). Collection method: clinical testing. Allele origin: germline.

Blueprint Genetics
Classification: Likely benign. Last evaluated: 2020-12-14. Review status: criteria provided, single submitter. Criteria: ACMG Guidelines, 2015. Collection method: clinical testing. Allele origin: germline.

GeneDx
Classification: Likely benign. Last evaluated: 2017-12-05. Review status: criteria provided, single submitter. Criteria: GeneDx Variant Classification (06012015). Collection method: clinical testing. Allele origin: germline. Affected: yes.
Comment: This variant is considered likely benign or benign based on one or more of the following criteria: it is a conservative change, it occurs at a poorly conserved position in the protein, it is predicted to be benign by multiple in silico algorithms, and/or has population frequency not consistent with disease.

Eurofins Ntd Llc (ga)
Classification: Uncertain significance. Last evaluated: 2017-10-18. Review status: criteria provided, single submitter. Criteria: EGL Classification Definitions 2015. Collection method: clinical testing. Allele origin: germline. Observed: 1 variant allele, 1 heterozygote.

PreventionGenetics, part of Exact Sciences
Classification: Likely benign for PLEC-related condition. Last evaluated: 2024-05-22. Review status: no assertion criteria provided. Collection method: clinical testing. Allele origin: germline. Not counted in ClinVar's aggregate classification.
Comment: This variant is classified as likely benign based on ACMG/AMP sequence variant interpretation guidelines (Richards et al. 2015 PMID: 25741868, with internal and published modifications).